The following is an entry in ClinVar:

ClinVar aggregate classification (germline): Conflicting classifications of pathogenicity. Review status: criteria provided, conflicting classifications (1 of 4 stars). 6 submissions from 6 submitters: Uncertain significance (5); Likely benign (1). Last evaluated 2026-01-13.

Conditions:
Familial hemophagocytic lymphohistiocytosis 5. Also called: STXBP2-Related Familial Hemophagocytic Lymphohistiocytosis (STXBP2-fHLH). Identifiers: Orphanet 540, MedGen C2751293, MONDO:0013135, OMIM 613101.
Inborn genetic diseases. Identifiers: MedGen C0950123, MeSH D030342.

Allele frequency attached by ClinVar (database versions not stated): 1000 Genomes Project 30x 0.00016; TOPMed 0.00043.
gnomAD v4.1: 145 of 1,613,524 alleles (0.009%); highest among the groups gnomAD compares: African/African-American, 0.13%; no homozygotes.

Submissions (6):

Labcorp Genetics (formerly Invitae), Labcorp
Classification: Likely benign for Familial hemophagocytic lymphohistiocytosis 5. Last evaluated: 2026-01-13. Review status: criteria provided, single submitter. Criteria: Invitae Variant Classification Sherloc (09022015). Collection method: clinical testing. Allele origin: germline.

GeneDx
Classification: Uncertain significance. Last evaluated: 2025-03-10. Review status: criteria provided, single submitter. Criteria: GeneDx Variant Classification Process June 2021. Collection method: clinical testing. Allele origin: germline. Affected: yes.
Comment: In silico analysis supports that this missense variant has a deleterious effect on protein structure/function; Has not been previously published as pathogenic or benign to our knowledge

Blueprint Genetics
Classification: Uncertain significance. Last evaluated: 2022-07-13. Review status: criteria provided, single submitter. Criteria: ACMG Guidelines, 2015. Collection method: clinical testing. Allele origin: germline.

Ambry Genetics
Classification: Uncertain significance for Inborn genetic diseases. Last evaluated: 2021-09-27. Review status: criteria provided, single submitter. Criteria: Ambry Variant Classification Scheme 2023. Collection method: clinical testing. Allele origin: germline.

Mayo Clinic Laboratories, Mayo Clinic
Classification: Uncertain significance. Last evaluated: 2019-09-16. Review status: criteria provided, single submitter. Criteria: ACMG Guidelines, 2015. Collection method: clinical testing. Allele origin: germline. Observed: 1 variant allele.

Baylor Genetics
Classification: Uncertain significance for Familial hemophagocytic lymphohistiocytosis 5. Last evaluated: 2018-04-14. Review status: criteria provided, single submitter. Criteria: ACMG Guidelines, 2015. Collection method: clinical testing. Allele origin: maternal. Affected: yes.
Comment: This variant was determined to be of uncertain significance according to ACMG Guidelines, 2015 [PMID:25741868].

NM_006949.4(STXBP2):c.1586G>A (p.Arg529Gln)

Gene: STXBP2 (syntaxin binding protein 2; plus strand). Cytogenetic location: 19p13.2.
Variant type: single nucleotide variant.
Coding change: c.1586G>A on transcript NM_006949.4 (MANE Select); coding-DNA position 1586, G replaced by A.
Protein change: p.Arg529Gln; replaces arginine 529 with glutamine.
Molecular consequence: missense variant. On other transcripts: non-coding transcript variant (1).
Genome position (GRCh38, 1-based): chr19:7,647,401, G>A. VCF-style: chr19-7647401-G-A. GRCh37 (hg19) VCF-style: chr19-7712287-G-A.
Other names: c.1577G>A, p.Arg526Gln (NM_001127396.3); c.1619G>A, p.Arg540Gln (NM_001272034.2); short protein forms R529Q, R526Q, R540Q.
Identifiers: ClinVar variation 657586 (VCV000657586.15), dbSNP rs35490401, ClinGen allele CA9144265.